The following is an entry in ClinVar:

NM_000443.4(ABCB4):c.2198C>T (p.Ser733Leu)

Gene: ABCB4 (ATP binding cassette subfamily B member 4; minus strand). Cytogenetic location: 7q21.12.
Variant type: single nucleotide variant.
Coding change: c.2198C>T on transcript NM_000443.4 (MANE Select); coding-DNA position 2198, C replaced by T.
Protein change: p.Ser733Leu; replaces serine 733 with leucine.
Molecular consequence: missense variant.
Genome position (GRCh38, 1-based): chr7:87,423,919, G>A on the plus strand (C>T on the coding strand, the complement: ABCB4 is on the minus strand). VCF-style: chr7-87423919-G-A. GRCh37 (hg19) VCF-style: chr7-87053235-G-A.
Other names: c.2198C>T, p.Ser733Leu (NM_018849.3, NM_018850.3); c.2198C>T (NM_000443.3); short protein forms S733L.
Identifiers: ClinVar variation 288694 (VCV000288694.9), dbSNP rs759894200, ClinGen allele CA4327103.
Genomic context (GRCh38, chr7:87,423,919, plus strand): 5'-GATGAATTGATCTAATTCAGGCTGTTATGTGGTGTTTGCAAACTTACCGCTATGATCTCT[G>A]AGAATATGACTGAAAATGCCGGCTGAAGCCCCCCATTGGCAATGGCACATACTGTTCCCA-3'
Protein context (NP_000434.1, residues 723-743): GLQPAFSVIF[Ser733Leu]EIIAIFGPGD

ClinVar aggregate classification (germline): Uncertain significance. Review status: criteria provided, multiple submitters, no conflicts (2 of 4 stars). 3 submissions from 3 submitters: Uncertain significance (3). Last evaluated 2026-06-08.

Conditions:
ABCB4-related disorder. Also called: ABCB4-related disorders; ABCB4-related condition.

Allele frequency attached by ClinVar (database versions not stated): gnomAD exomes below 0.00001; ExAC 0.00001; gnomAD 0.00001; TOPMed 0.00002.
gnomAD v4.1: 2 of 1,613,962 alleles (0.00012%); highest among the groups gnomAD compares: Admixed American, 0.0017%; no homozygotes.

Submissions (3):

PreventionGenetics, part of Exact Sciences
Classification: Uncertain significance for ABCB4-related condition. Last evaluated: 2026-06-08. Review status: criteria provided, single submitter. Criteria: ACMG Guidelines, 2015. Collection method: clinical testing. Allele origin: germline.
Comment: The ABCB4 c.2198C>T variant is predicted to result in the amino acid substitution p.Ser733Leu. To our knowledge, this variant has not been reported in the literature. This variant has been reported in one heterozygous individual within the 'other' subpopulation in gnomAD. At this time, the clinical significance of this variant is uncertain due to the absence of conclusive functional and genetic evidence.

Labcorp Genetics (formerly Invitae), Labcorp
Classification: Uncertain significance. Last evaluated: 2024-10-07. Review status: criteria provided, single submitter. Criteria: Invitae Variant Classification Sherloc (09022015). Collection method: clinical testing. Allele origin: germline.
Comment: This sequence change replaces serine, which is neutral and polar, with leucine, which is neutral and non-polar, at codon 733 of the ABCB4 protein (p.Ser733Leu). This variant is present in population databases (rs759894200, gnomAD 0.003%). This variant has not been reported in the literature in individuals affected with ABCB4-related conditions. ClinVar contains an entry for this variant (Variation ID: 288694). Invitae Evidence Modeling of protein sequence and biophysical properties (such as structural, functional, and spatial information, amino acid conservation, physicochemical variation, residue mobility, and thermodynamic stability) indicates that this missense variant is expected to disrupt ABCB4 protein function with a positive predictive value of 80%. In summary, the available evidence is currently insufficient to determine the role of this variant in disease. Therefore, it has been classified as a Variant of Uncertain Significance.

Eurofins Ntd Llc (ga)
Classification: Uncertain significance. Last evaluated: 2018-04-06. Review status: criteria provided, single submitter. Criteria: EGL ClinVar v180209 classification definitions. Collection method: clinical testing. Allele origin: germline. Observed: 4 variant alleles, 4 heterozygotes.